The following is an entry in ClinVar:

NM_017763.6(RNF43):c.544G>T (p.Ala182Ser)

Gene: RNF43 (ring finger protein 43; minus strand). Cytogenetic location: 17q22.
Variant type: single nucleotide variant.
Coding change: c.544G>T on transcript NM_017763.6 (MANE Select); coding-DNA position 544, G replaced by T.
Protein change: p.Ala182Ser; replaces alanine 182 with serine.
Molecular consequence: missense variant.
Genome position (GRCh38, 1-based): chr17:58,363,313, C>A on the plus strand (G>T on the coding strand, the complement: RNF43 is on the minus strand). VCF-style: chr17-58363313-C-A. GRCh37 (hg19) VCF-style: chr17-56440674-C-A.
Other names: c.544G>T, p.Ala182Ser (NM_001305544.3); c.163G>T, p.Ala55Ser (NM_001305545.2); short protein forms A182S, A55S.
Identifiers: ClinVar variation 1021692 (VCV001021692.8), dbSNP rs1972879674, ClinGen allele CA400337983.

ClinVar aggregate classification (germline): Uncertain significance (1 of 4 stars; one submission).

Submission:

Labcorp Genetics (formerly Invitae), Labcorp
Classification: Uncertain significance. Last evaluated: 2020-04-27. Review status: criteria provided, single submitter. Criteria: Invitae Variant Classification Sherloc (09022015). Collection method: clinical testing. Allele origin: germline.
Comment: In summary, the available evidence is currently insufficient to determine the role of this variant in disease. Therefore, it has been classified as a Variant of Uncertain Significance. Algorithms developed to predict the effect of missense changes on protein structure and function are either unavailable or do not agree on the potential impact of this missense change (SIFT: "Tolerated"; PolyPhen-2: "Probably Damaging"; Align-GVGD: "Class C0"). This variant has not been reported in the literature in individuals with RNF43-related conditions. This variant is not present in population databases (ExAC no frequency). This sequence change replaces alanine with serine at codon 182 of the RNF43 protein (p.Ala182Ser). The alanine residue is highly conserved and there is a moderate physicochemical difference between alanine and serine.